The following is an entry in ClinVar:

NM_181523.3(PIK3R1):c.1865A>C (p.Lys622Thr)

Gene: PIK3R1 (phosphoinositide-3-kinase regulatory subunit 1; plus strand). Cytogenetic location: 5q13.1.
Variant type: single nucleotide variant.
Coding change: c.1865A>C on transcript NM_181523.3 (MANE Select); coding-DNA position 1865, A replaced by C.
Protein change: p.Lys622Thr; replaces lysine 622 with threonine.
Molecular consequence: missense variant.
Genome position (GRCh38, 1-based): chr5:68,296,221, A>C. VCF-style: chr5-68296221-A-C. GRCh37 (hg19) VCF-style: chr5-67592049-A-C.
Other names: c.776A>C, p.Lys259Thr (NM_001242466.2); c.1055A>C, p.Lys352Thr (NM_181504.4); c.965A>C, p.Lys322Thr (NM_181524.2); short protein forms K322T, K352T, K259T, K622T.
Identifiers: ClinVar variation 4783502 (VCV004783502.1).

ClinVar aggregate classification (germline): Uncertain significance (1 of 4 stars; one submission).

Conditions:
Agammaglobulinemia 7, autosomal recessive (AGM7). Also called: AGAMMAGLOBULINEMIA, AUTOSOMAL RECESSIVE, DUE TO PIK3R1 DEFECT. Identifiers: MedGen C3554689, MONDO:0014083, OMIM 615214.
SHORT syndrome. Also called: SHORT STATURE, HYPEREXTENSIBILITY, HERNIA, OCULAR DEPRESSION, RIEGER ANOMALY, AND TEETHING DELAY; LIPODYSTROPHY, PARTIAL, WITH RIEGER ANOMALY AND SHORT STATURE; PIK3R1-Related SHORT Syndrome. Identifiers: Orphanet 3163, MedGen C0878684, MONDO:0010026, OMIM 269880.
Immunodeficiency 36 with lymphoproliferation. Also called: Immunodeficiency 36; Activated PI3K Delta Syndrome Type 2 (APDS2); ACTIVATED PI3K-DELTA SYNDROME 2. Identifiers: Orphanet 397596, Orphanet 693681, MedGen C4014934, MONDO:0014453, OMIM 616005.

gnomAD v4.1: 1 of 1,614,234 alleles (0.000062%); highest among the groups gnomAD compares: Non-Finnish European, 0.000085%; no homozygotes.

Submission:

Labcorp Genetics (formerly Invitae), Labcorp
Classification: Uncertain significance for SHORT syndrome; Immunodeficiency 36 with lymphoproliferation; Agammaglobulinemia 7, autosomal recessive. Last evaluated: 2026-01-06. Review status: criteria provided, single submitter. Criteria: Invitae Variant Classification Sherloc (09022015). Collection method: clinical testing. Allele origin: germline.
Comment: This sequence change replaces lysine, which is basic and polar, with threonine, which is neutral and polar, at codon 622 of the PIK3R1 protein (p.Lys622Thr). This variant is not present in population databases (gnomAD no frequency). This variant has not been reported in the literature in individuals affected with PIK3R1-related conditions. Invitae Evidence Modeling of protein sequence and biophysical properties (such as structural, functional, and spatial information, amino acid conservation, physicochemical variation, residue mobility, and thermodynamic stability) indicates that this missense variant is not expected to disrupt PIK3R1 protein function with a negative predictive value of 80%. In summary, the available evidence is currently insufficient to determine the role of this variant in disease. Therefore, it has been classified as a Variant of Uncertain Significance.